The following is an entry in ClinVar:

ClinVar aggregate classification (germline): Uncertain significance. Review status: criteria provided, multiple submitters, no conflicts (2 of 4 stars). 2 submissions from 2 submitters: Uncertain significance (2). Last evaluated 2026-06-30.

Conditions:
Inborn genetic diseases. Identifiers: MedGen C0950123, MeSH D030342.
Deficiency of galactokinase. Also called: GALACTOSEMIA II; Galactokinase deficiency with cataracts. Identifiers: Orphanet 352, Orphanet 79237, MedGen C0268155, MONDO:0009255, OMIM 230200.

gnomAD v4.1: 5 of 1,613,764 alleles (0.00031%); highest among the groups gnomAD compares: Non-Finnish European, 0.00042%; no homozygotes.

Submissions (2):

Myriad Genetics, Inc.
Classification: Uncertain significance for Deficiency of galactokinase. Last evaluated: 2026-06-30. Review status: criteria provided, single submitter. Criteria: Myriad Autosomal Dominant, Autosomal Recessive and X-Linked Classification Criteria (2023). Collection method: clinical testing. Allele origin: unknown.
Comment: NM_000154.1(GALK1):c.314G>A(R105Q) is a missense variant classified as a variant of uncertain significance in the context of galactokinase deficiency. R105Q has not been observed in cases with relevant disease. Relevant functional assessments of this variant are not available in the literature. R105Q has been observed in referenced population frequency databases. In summary, there is insufficient evidence to classify NM_000154.1(GALK1):c.314G>A(R105Q) as pathogenic or benign. Please note: this variant was assessed in the context of healthy population screening.

Ambry Genetics
Classification: Uncertain significance for Inborn genetic diseases. Last evaluated: 2025-03-15. Review status: criteria provided, single submitter. Criteria: Ambry Variant Classification Scheme 2023. Collection method: clinical testing. Allele origin: germline.

NM_000154.2(GALK1):c.314G>A (p.Arg105Gln)

Gene: GALK1 (galactokinase 1; minus strand). Cytogenetic location: 17q25.1.
Variant type: single nucleotide variant.
Coding change: c.314G>A on transcript NM_000154.2 (MANE Select); coding-DNA position 314, G replaced by A.
Protein change: p.Arg105Gln; replaces arginine 105 with glutamine.
Molecular consequence: missense variant.
Genome position (GRCh38, 1-based): chr17:75,763,938, C>T on the plus strand (G>A on the coding strand, the complement: GALK1 is on the minus strand). VCF-style: chr17-75763938-C-T. GRCh37 (hg19) VCF-style: chr17-73760019-C-T.
Other names: c.314G>A, p.Arg105Gln (NM_001381985.1); short protein forms R105Q.
Identifiers: ClinVar variation 4027929 (VCV004027929.2).